The following is an entry in ClinVar:

NM_005559.4(LAMA1):c.669T>C (p.Tyr223=)

Gene: LAMA1 (laminin subunit alpha 1; minus strand). Cytogenetic location: 18p11.31.
Variant type: single nucleotide variant.
Coding change: c.669T>C on transcript NM_005559.4 (MANE Select); coding-DNA position 669, T replaced by C.
Protein change: p.Tyr223=; no amino-acid change (tyrosine 223 retained).
Molecular consequence: synonymous variant.
Genome position (GRCh38, 1-based): chr18:7,049,177, A>G on the plus strand (T>C on the coding strand, the complement: LAMA1 is on the minus strand). VCF-style: chr18-7049177-A-G. GRCh37 (hg19) VCF-style: chr18-7049176-A-G.
Other names: p.Tyr223=.
Identifiers: ClinVar variation 4684276 (VCV004684276.1).

ClinVar aggregate classification (germline): Likely benign (1 of 4 stars; one submission).

gnomAD v4.1: 10 of 1,614,100 alleles (0.00062%); highest among the groups gnomAD compares: Non-Finnish European, 0.00076%; no homozygotes.

Submission:

Mayo Clinic Laboratories, Mayo Clinic
Classification: Likely benign. Last evaluated: 2025-07-29. Review status: criteria provided, single submitter. Criteria: ACMG Guidelines, 2015. Collection method: clinical testing. Allele origin: germline. Observed: 1 variant allele.
Comment: BP4, BP7